The following is an entry in ClinVar:

ClinVar aggregate classification (germline): Likely benign (0 of 4 stars; one submission).

Conditions:
MYO1E-related disorder. Also called: MYO1E-related condition.

Allele frequency attached by ClinVar (database versions not stated): gnomAD exomes 0.00001; ExAC 0.00002; gnomAD 0.00004; TOPMed 0.00004; ESP Exome Variant Server 0.00008.
gnomAD v4.1: 21 of 1,614,070 alleles (0.0013%); highest among the groups gnomAD compares: Non-Finnish European, 0.0018%; no homozygotes.

Submission:

PreventionGenetics, part of Exact Sciences
Classification: Likely benign for MYO1E-related condition. Last evaluated: 2019-07-31. Review status: no assertion criteria provided. Collection method: clinical testing. Allele origin: germline.
Comment: This variant is classified as likely benign based on ACMG/AMP sequence variant interpretation guidelines (Richards et al. 2015 PMID: 25741868, with internal and published modifications).

NM_004998.4(MYO1E):c.645C>T (p.Leu215=)

Gene: MYO1E (myosin IE; minus strand). Cytogenetic location: 15q22.2.
Variant type: single nucleotide variant.
Coding change: c.645C>T on transcript NM_004998.4 (MANE Select); coding-DNA position 645, C replaced by T.
Protein change: p.Leu215=; no amino-acid change (leucine 215 retained).
Molecular consequence: synonymous variant.
Genome position (GRCh38, 1-based): chr15:59,224,821, G>A on the plus strand (C>T on the coding strand, the complement: MYO1E is on the minus strand). VCF-style: chr15-59224821-G-A. GRCh37 (hg19) VCF-style: chr15-59517020-G-A.
Identifiers: ClinVar variation 3035865 (VCV003035865.2), dbSNP rs144695094, ClinGen allele CA7590256.